The following is an entry in ClinVar:

ClinVar aggregate classification (germline): Uncertain significance. Review status: criteria provided, multiple submitters, no conflicts (2 of 4 stars). 3 submissions from 3 submitters: Uncertain significance (3). Last evaluated 2024-12-04.

Conditions:
Meckel syndrome, type 11 (MKS11). Identifiers: Orphanet 564, MedGen C3809352, MONDO:0014164, OMIM 615397.
Joubert syndrome 20 (JBTS20). Identifiers: Orphanet 475, MedGen C3554235, MONDO:0013994, OMIM 614970.
Inborn genetic diseases. Identifiers: MedGen C0950123, MeSH D030342.

Submissions (3):

Ambry Genetics
Classification: Uncertain significance for Inborn genetic diseases. Last evaluated: 2024-12-04. Review status: criteria provided, single submitter. Criteria: Ambry Variant Classification Scheme 2023. Collection method: clinical testing. Allele origin: germline.

Fulgent Genetics
Classification: Uncertain significance for Joubert syndrome 20; Meckel syndrome, type 11. Last evaluated: 2024-06-17. Review status: criteria provided, single submitter. Criteria: ACMG Guidelines, 2015. Collection method: clinical testing. Allele origin: germline.

Labcorp Genetics (formerly Invitae), Labcorp
Classification: Uncertain significance for Joubert syndrome 20; Meckel syndrome, type 11. Last evaluated: 2022-10-13. Review status: criteria provided, single submitter. Criteria: Invitae Variant Classification Sherloc (09022015). Collection method: clinical testing. Allele origin: germline.
Comment: Algorithms developed to predict the effect of missense changes on protein structure and function are either unavailable or do not agree on the potential impact of this missense change (SIFT: "Tolerated"; PolyPhen-2: "Not Available"; Align-GVGD: "Class C0"). This sequence change replaces alanine, which is neutral and non-polar, with threonine, which is neutral and polar, at codon 202 of the TMEM231 protein (p.Ala202Thr). This variant is present in population databases (rs761206046, gnomAD 0.001%). This variant has not been reported in the literature in individuals affected with TMEM231-related conditions. In summary, the available evidence is currently insufficient to determine the role of this variant in disease. Therefore, it has been classified as a Variant of Uncertain Significance.

NM_001077418.3(TMEM231):c.445G>A (p.Ala149Thr)

Gene: TMEM231 (transmembrane protein 231; minus strand). Cytogenetic location: 16q23.1.
Variant type: single nucleotide variant.
Coding change: c.445G>A on transcript NM_001077418.3 (MANE Select); coding-DNA position 445, G replaced by A.
Protein change: p.Ala149Thr; replaces alanine 149 with threonine.
Molecular consequence: missense variant. On other transcripts: non-coding transcript variant (1).
Genome position (GRCh38, 1-based): chr16:75,545,489, C>T on the plus strand (G>A on the coding strand, the complement: TMEM231 is on the minus strand). VCF-style: chr16-75545489-C-T. GRCh37 (hg19) VCF-style: chr16-75579387-C-T.
Other names: c.604G>A, p.Ala202Thr (NM_001077416.2); c.532G>A (NM_001077416.1); short protein forms A149T, A202T.
Identifiers: ClinVar variation 2419799 (VCV002419799.45), dbSNP rs761206046, ClinGen allele CA8176187.